The following is an entry in ClinVar:

ClinVar aggregate classification (germline): Benign. Review status: criteria provided, multiple submitters, no conflicts (2 of 4 stars). 7 submissions from 7 submitters: Benign (5). 2 of the submissions do not count toward it. Last evaluated 2026-02-03.

Conditions:
Brain small vessel disease 2A, autosomal dominant. Also called: Porencephaly 2. Identifiers: Orphanet 2940, Orphanet 99810, MedGen C3280970, MONDO:0013773, OMIM 614483.

Allele frequency attached by ClinVar (database versions not stated): 1000 Genomes Project 0.01438; 1000 Genomes Project 30x 0.01530; TOPMed 0.02808; gnomAD 0.02954 and 0.03076; gnomAD exomes 0.02997 and 0.03806; ExAC 0.03071; ESP Exome Variant Server 0.03095.
gnomAD v4.1: 59,844 of 1,613,090 alleles (3.7%); highest among the groups gnomAD compares: Non-Finnish European, 4.3%; 1,286 homozygotes.

Submissions (7):

Labcorp Genetics (formerly Invitae), Labcorp
Classification: Benign. Last evaluated: 2026-02-03. Review status: criteria provided, single submitter. Criteria: Invitae Variant Classification Sherloc (09022015). Collection method: clinical testing. Allele origin: germline.

Mayo Clinic Laboratories, Mayo Clinic
Classification: Benign. Last evaluated: 2023-01-12. Review status: criteria provided, single submitter. Criteria: ACMG Guidelines, 2015. Collection method: clinical testing. Allele origin: germline. Observed: 12 variant alleles.
Comment: BA1

GeneDx
Classification: Benign. Last evaluated: 2018-05-10. Review status: criteria provided, single submitter. Criteria: GeneDx Variant Classification (06012015). Collection method: clinical testing. Allele origin: germline. Affected: yes.
Comment: This variant is considered likely benign or benign based on one or more of the following criteria: it is a conservative change, it occurs at a poorly conserved position in the protein, it is predicted to be benign by multiple in silico algorithms, and/or has population frequency not consistent with disease.

Illumina Laboratory Services, Illumina
Classification: Benign for Brain small vessel disease 2A, autosomal dominant. Last evaluated: 2018-01-13. Review status: criteria provided, single submitter. Criteria: ICSL Variant Classification Criteria 13 December 2019. Collection method: clinical testing. Allele origin: germline.
Comment: This variant was observed in the ICSL laboratory as part of a predisposition screen in an ostensibly healthy population. It had not been previously curated by ICSL or reported in the Human Gene Mutation Database (HGMD: prior to June 1st, 2018), and was therefore a candidate for classification through an automated scoring system. Utilizing variant allele frequency, disease prevalence and penetrance estimates, and inheritance mode, an automated score was calculated to assess if this variant is too frequent to cause the disease. Based on the score and internal cut-off values, a variant classified as benign is not then subjected to further curation. The score for this variant resulted in a classification of benign for this disease.

Breakthrough Genomics
Classification: Benign. Review status: criteria provided, single submitter. Criteria: ACMG Guidelines, 2015. Collection method: not provided. Allele origin: germline. Inheritance: Autosomal dominant inheritance. Affected: yes.

Clinical Genetics DNA and cytogenetics Diagnostics Lab, Erasmus MC, Erasmus Medical Center
Classification: Benign. Review status: no assertion criteria provided. Collection method: clinical testing. Allele origin: germline. Affected: yes. Study: VKGL Data-share Consensus. Not counted in ClinVar's aggregate classification.

Laboratory of Diagnostic Genome Analysis, Leiden University Medical Center (LUMC)
Classification: Likely benign. Review status: no assertion criteria provided. Collection method: clinical testing. Allele origin: germline. Affected: yes. Study: VKGL Data-share Consensus. Not counted in ClinVar's aggregate classification.

Literature cited by the submitters: PubMed 22209247 (cited by Mayo Clinic Laboratories, Mayo Clinic).

NM_001846.4(COL4A2):c.4195G>A (p.Val1399Ile)

Genes: COL4A2 (collagen type IV alpha 2 chain; plus strand), COL4A2-AS1 (COL4A2 antisense RNA 1; minus strand). Cytogenetic location: 13q34.
Variant type: single nucleotide variant.
Coding change: c.4195G>A on transcript NM_001846.4 (MANE Select); coding-DNA position 4195, G replaced by A.
Protein change: p.Val1399Ile; replaces valine 1399 with isoleucine.
Molecular consequence: missense variant.
Genome position (GRCh38, 1-based): chr13:110,503,903, G>A. VCF-style: chr13-110503903-G-A. GRCh37 (hg19) VCF-style: chr13-111156250-G-A.
Other names: short protein forms V1399I.
Identifiers: ClinVar variation 311174 (VCV000311174.18), dbSNP rs45520539, ClinGen allele CA7050440.